The following is an entry in ClinVar:

NM_000135.4(FANCA):c.*252G>C

Genes: ZNF276 (zinc finger protein 276; plus strand), FANCA (FA complementation group A; minus strand). Cytogenetic location: 16q24.3.
Variant type: single nucleotide variant.
Coding change: c.*252G>C on transcript NM_000135.4 (MANE Select); 252 bases downstream of the stop codon, G replaced by C.
Molecular consequence: 3 prime UTR variant. On other transcripts: non-coding transcript variant (4).
Genome position (GRCh38, 1-based): chr16:89,738,349, C>G on the plus strand (G>C on the coding strand, the complement: FANCA is on the minus strand). VCF-style: chr16-89738349-C-G. GRCh37 (hg19) VCF-style: chr16-89804757-C-G.
Other names: c.*349G>C (NM_001286167.3); c.*103C>G (NM_001113525.2, NM_152287.4).
Identifiers: ClinVar variation 321321 (VCV000321321.9), dbSNP rs17233797, ClinGen allele CA10638680.
Genomic context (GRCh38, chr16:89,738,349, plus strand): 5'-CAGTGGCTGTGTCAGCCTCACCCTTCGTGTGCACCCGCATGGGAGGGTCGGAGGGTGCTG[C>G]CCGCCCTTGGTGCTGGAGGCGGGCTTGGTGTCCGGCTCAAGTAGCCTTCCTCTGCTCTGG-3'

ClinVar aggregate classification (germline): Benign. Review status: criteria provided, multiple submitters, no conflicts (2 of 4 stars). 3 submissions from 3 submitters: Benign (3). Last evaluated 2019-03-20.

Conditions:
Fanconi anemia complementation group A (FANCA). Also called: Fanconi anemia, group A; FANCA-Related Fanconi Anemia. Identifiers: Orphanet 84, MedGen C3469521, MONDO:0009215, OMIM 227650.

Allele frequency attached by ClinVar (database versions not stated): gnomAD exomes 0.00285; gnomAD 0.03057 and 0.03296; 1000 Genomes Project 0.03355; 1000 Genomes Project 30x 0.03420; TOPMed 0.03510.
gnomAD v4.1: 8,620 of 1,480,672 alleles (0.58%); highest among the groups gnomAD compares: African/African-American, 11%; 445 homozygotes.

Submissions (3):

GeneDx
Classification: Benign. Last evaluated: 2019-03-20. Review status: criteria provided, single submitter. Criteria: GeneDx Variant Classification Process June 2021. Collection method: clinical testing. Allele origin: germline. Affected: yes.

Illumina Laboratory Services, Illumina
Classification: Benign for Fanconi anemia complementation group A. Last evaluated: 2018-01-12. Review status: criteria provided, single submitter. Criteria: ICSL Variant Classification Criteria 13 December 2019. Collection method: clinical testing. Allele origin: germline.
Comment: This variant was observed in the ICSL laboratory as part of a predisposition screen in an ostensibly healthy population. It had not been previously curated by ICSL or reported in the Human Gene Mutation Database (HGMD: prior to June 1st, 2018), and was therefore a candidate for classification through an automated scoring system. Utilizing variant allele frequency, disease prevalence and penetrance estimates, and inheritance mode, an automated score was calculated to assess if this variant is too frequent to cause the disease. Based on the score and internal cut-off values, a variant classified as benign is not then subjected to further curation. The score for this variant resulted in a classification of benign for this disease.

Breakthrough Genomics
Classification: Benign. Review status: criteria provided, single submitter. Criteria: ACMG Guidelines, 2015. Collection method: not provided. Allele origin: germline. Inheritance: Autosomal recessive inheritance. Affected: yes.